The following is an entry in ClinVar:

ClinVar aggregate classification (germline): Benign/Likely benign. Review status: criteria provided, multiple submitters, no conflicts (2 of 4 stars). 5 submissions from 5 submitters: Benign (4); Likely benign (1). Last evaluated 2026-02-04.

Conditions:
Autosomal recessive nonsyndromic hearing loss 31. Also called: WHIRLER, MOUSE, HOMOLOG OF. Identifiers: Orphanet 90636, MedGen C1846839, MONDO:0011767, OMIM 607084.

Allele frequency attached by ClinVar (database versions not stated): 1000 Genomes Project 30x 0.98891; TOPMed 0.99429; gnomAD 0.99456 and 0.99470; gnomAD exomes 0.99955.

Submissions (5):

Labcorp Genetics (formerly Invitae), Labcorp
Classification: Benign. Last evaluated: 2026-02-04. Review status: criteria provided, single submitter. Criteria: Invitae Variant Classification Sherloc (09022015). Collection method: clinical testing. Allele origin: germline.

Blueprint Genetics
Classification: Likely benign. Last evaluated: 2024-11-27. Review status: criteria provided, single submitter. Criteria: ACMG Guidelines, 2015. Collection method: clinical testing. Allele origin: germline.

Genome-Nilou Lab
Classification: Benign for Autosomal recessive nonsyndromic hearing loss 31. Last evaluated: 2021-07-30. Review status: criteria provided, single submitter. Criteria: ACMG Guidelines, 2015. Collection method: clinical testing. Allele origin: germline. Affected: no.

Laboratory for Molecular Medicine, Mass General Brigham Personalized Medicine
Classification: Benign. Last evaluated: 2012-02-02. Review status: criteria provided, single submitter. Criteria: LMM Criteria. Collection method: clinical testing. Allele origin: germline. Observed: 1,801 variant alleles.
Comment: African American frequency = 68/3738 (ESP data)

Breakthrough Genomics
Classification: Benign. Review status: criteria provided, single submitter. Criteria: ACMG Guidelines, 2015. Collection method: not provided. Allele origin: germline. Inheritance: Autosomal recessive inheritance. Affected: yes.

NM_015404.4(WHRN):c.2256= (p.Gln752=)

Gene: WHRN (whirlin; minus strand). Cytogenetic location: 9q32.
Variant type: single nucleotide variant.
Coding change: c.2256= on transcript NM_015404.4 (MANE Select); coding-DNA position 2256, no change from the reference sequence.
Protein change: p.Gln752=; no amino-acid change (glutamine 752 retained).
Molecular consequence: no sequence alteration.
Genome position: GRCh38 VCF-style: chr9-114404058-C-C. GRCh37 (hg19) VCF-style: chr9-117166338-G-C.
Other names: c.1107=, p.Gln369= (NM_001083885.3); c.2253=, p.Gln751= (NM_001173425.2); c.1203=, p.Gln401= (NM_001346890.1).
Identifiers: ClinVar variation 163045 (VCV000163045.21), dbSNP rs6478078.